The following is an entry in ClinVar:

ClinVar aggregate classification (germline): Likely pathogenic (1 of 4 stars; one submission).

Conditions:
Hereditary spastic paraplegia 8 (SPG8). Also called: SPASTIC PARAPLEGIA 8, AUTOSOMAL DOMINANT. Identifiers: Orphanet 100989, MedGen C1863704, MONDO:0011339, OMIM 603563.

Submission:

Genomic Research Center, Shahid Beheshti University of Medical Sciences
Classification: Likely pathogenic for Hereditary spastic paraplegia 8. Last evaluated: 2023-10-25. Review status: criteria provided, single submitter. Criteria: ACMG Guidelines, 2015. Collection method: clinical testing. Allele origin: de novo. Affected: yes. Observed: 1 heterozygote.
Comment: This variant introduces a premature stop codon, which is expected to result in nonsense-mediated decay or a severely truncated, non-functional protein. Loss of function is a well-established disease mechanism for this gene. The variant is extremely rare in population databases.

NM_014846.4(WASHC5):c.3058_3064del (p.Ala1020fs)

Gene: WASHC5 (WASH complex subunit 5; minus strand). Cytogenetic location: 8q24.13.
Variant type: Deletion.
Coding change: c.3058_3064del on transcript NM_014846.4 (MANE Select); coding-DNA positions 3058 to 3064, 7 bases deleted (GCTGGCA; older notation c.3058_3064delGCTGGCA).
Protein change: p.Ala1020fs; shifts the reading frame from alanine 1020.
Molecular consequence: frameshift variant.
Genome position (GRCh38, 1-based): chr8:125,038,850-125,038,856, TGCCAGC deleted on the plus strand (GCTGGCA on the coding strand, the reverse complement: WASHC5 is on the minus strand); deleting any 7 consecutive bases within chr8:125,038,850-125,038,860 gives the same sequence; the c. name uses the placement nearest the transcript's 3' end. VCF-style (leftmost placement, unchanged base first): chr8-125038849-ATGCCAGC-A. GRCh37 (hg19) VCF-style: chr8-126051091-ATGCCAGC-A.
Other names: c.2614_2620del, p.Ala872fs (NM_001330609.2); short protein forms A1020fs, A872fs.
Identifiers: ClinVar variation 4537492 (VCV004537492.1).